The following is an entry in ClinVar:

ClinVar aggregate classification (germline): Likely pathogenic (1 of 4 stars; one submission).

Conditions:
3-hydroxyisobutyryl-CoA hydrolase deficiency. Also called: Reduced circulating 3-hydroxyisobutyryl-CoA hydrolase activity; Deficiency of 3-hydroxyisobutyryl CoA hydrolase; HIBCH DEFICIENCY; METHACRYLIC ACID TOXICITY; METHACRYLIC ACIDURIA; VALINE METABOLIC DEFECT. Identifiers: Orphanet 88639, MedGen C0342738, MONDO:0009603, OMIM 250620, HP:6000215.

Submission:

Labcorp Genetics (formerly Invitae), Labcorp
Classification: Likely pathogenic for 3-hydroxyisobutyryl-CoA hydrolase deficiency. Last evaluated: 2024-10-28. Review status: criteria provided, single submitter. Criteria: Invitae Variant Classification Sherloc (09022015). Collection method: clinical testing. Allele origin: germline.
Comment: This sequence change affects an acceptor splice site in intron 8 of the HIBCH gene. It is expected to disrupt RNA splicing. Variants that disrupt the donor or acceptor splice site typically lead to a loss of protein function (PMID: 16199547), and loss-of-function variants in HIBCH are known to be pathogenic (PMID: 17160907, 26163321). This variant is not present in population databases (gnomAD no frequency). This variant has not been reported in the literature in individuals affected with HIBCH-related conditions. ClinVar contains an entry for this variant (Variation ID: 2088137). Algorithms developed to predict the effect of sequence changes on RNA splicing suggest that this variant may disrupt the consensus splice site. In summary, the currently available evidence indicates that the variant is pathogenic, but additional data are needed to prove that conclusively. Therefore, this variant has been classified as Likely Pathogenic.

Literature cited by the submitters: PubMed 16199547; PubMed 17160907; PubMed 26163321.

NM_014362.4(HIBCH):c.664-2A>G

Gene: HIBCH (3-hydroxyisobutyryl-CoA hydrolase; minus strand). Cytogenetic location: 2q32.2.
Variant type: single nucleotide variant.
Coding change: c.664-2A>G on transcript NM_014362.4 (MANE Select); the canonical splice acceptor site of the intron before coding-DNA position 664, A replaced by G.
Molecular consequence: splice acceptor variant.
Genome position (GRCh38, 1-based): chr2:190,249,728, T>C on the plus strand (A>G on the coding strand, the complement: HIBCH is on the minus strand). VCF-style: chr2-190249728-T-C. GRCh37 (hg19) VCF-style: chr2-191114454-T-C.
Other names: c.664-2A>G (NM_198047.3).
Identifiers: ClinVar variation 2088137 (VCV002088137.4), dbSNP rs761431597, ClinGen allele CA349889461.